The following is an entry in ClinVar:

ClinVar aggregate classification (germline): Likely pathogenic (1 of 4 stars; one submission).

Conditions:
Episodic ataxia type 2 (EA2). Also called: ATAXIA, EPISODIC, WITH NYSTAGMUS; ATAXIA, FAMILIAL PAROXYSMAL; CEREBELLAR ATAXIA, PAROXYSMAL, ACETAZOLAMIDE-RESPONSIVE; CEREBELLOPATHY, HEREDITARY PAROXYSMAL; EPISODIC ATAXIA, NYSTAGMUS-ASSOCIATED; ACETAZOLAMIDE-RESPONSIVE HEREDITARY PAROXYSMAL CEREBELLAR ATAXIA. Identifiers: Orphanet 97, MedGen C1720416, MONDO:0007163, OMIM 108500.
Developmental and epileptic encephalopathy, 42 (DEE42A). Also called: DEVELOPMENTAL AND EPILEPTIC ENCEPHALOPATHY 42A; EPILEPTIC ENCEPHALOPATHY, EARLY INFANTILE, 42A; Epileptic encephalopathy, early infantile, 42. Identifiers: MedGen C4310716, MONDO:0014917, OMIM 617106.

Submission:

Labcorp Genetics (formerly Invitae), Labcorp
Classification: Likely pathogenic for Developmental and epileptic encephalopathy, 42; Episodic ataxia type 2. Last evaluated: 2018-11-20. Review status: criteria provided, single submitter. Criteria: Invitae Variant Classification Sherloc (09022015). Collection method: clinical testing. Allele origin: unknown.
Comment: In summary, the currently available evidence indicates that the variant is pathogenic, but additional data are needed to prove that conclusively. Therefore, this variant has been classified as Likely Pathogenic. Loss-of-function variants in CACNA1A are known to be pathogenic (PMID: 10371528, 19486177, 25735478, 27250579). This variant has not been reported in the literature in individuals with CACNA1A-related disease. This variant is a deletion of the genomic region encompassing part of exon 5 (c.675_784+1177del) of the CACNA1A gene. It is expected to disrupt RNA splicing and likely results in an absent or disrupted protein product.

Literature cited by the submitters: PubMed 10371528; PubMed 19486177; PubMed 25735478; PubMed 27250579.

NC_000019.9:g.(?_13474954)_(13476240_?)del

Gene: CACNA1A (calcium voltage-gated channel subunit alpha1 A; minus strand). Cytogenetic location: 19p13.2.
Variant type: Deletion.
Identifiers: ClinVar variation 3248508 (VCV003248508.1).